The following is an entry in ClinVar:

ClinVar aggregate classification (germline): Likely pathogenic. Review status: criteria provided, multiple submitters, no conflicts (2 of 4 stars). 2 submissions from 2 submitters: Likely pathogenic (2). Last evaluated 2024-09-20.

Conditions:
Zellweger spectrum disorders (ZS). Also called: Zellweger syndrome; Zellweger Spectrum Disorder; Zellweger Spectrum; Zellweger Spectrum Disorder (ZSD). Identifiers: Orphanet 912, MedGen C0043459, MONDO:0019609.
PEX2-related disorder. Also called: PEX2-related condition.

Submissions (2):

Natera, Inc.
Classification: Likely pathogenic for Zellweger syndrome. Last evaluated: 2024-09-20. Review status: criteria provided, single submitter. Criteria: Natera Variant Classification Schema (03/2026). Collection method: clinical testing. Allele origin: germline.
Comment: The c.789_790del variant in PEX2 is a frameshift variant predicted to shift the reading frame beginning at codon 263 and leads to a stop codon 6 codons downstream. This variant is expected to result in nonsense mediated decay, truncation, or a dysfunctional protein product. This variant is rare in the general population with a frequency below the threshold expected for the associated phenotype(s). Given the available evidence, this variant is classified as Likely Pathogenic.

Blueprint Genetics
Classification: Likely pathogenic for PEX2-related disorders. Last evaluated: 2019-09-06. Review status: criteria provided, single submitter. Criteria: ACMG Guidelines, 2015. Collection method: clinical testing. Allele origin: germline. Affected: yes. Observed: 1 variant allele.

NM_000318.3(PEX2):c.789_790del (p.Phe263fs)

Gene: PEX2 (peroxisomal biogenesis factor 2; minus strand). Cytogenetic location: 8q21.13.
Variant type: Deletion.
Coding change: c.789_790del on transcript NM_000318.3 (MANE Select); coding-DNA positions 789 to 790, 2 bases deleted (CT; older notation c.789_790delCT).
Protein change: p.Phe263fs; shifts the reading frame from phenylalanine 263.
Molecular consequence: frameshift variant.
Genome position (GRCh38, 1-based): chr8:76,983,389-76,983,390, AG deleted on the plus strand (CT on the coding strand, the reverse complement: PEX2 is on the minus strand); deleting any 2 consecutive bases within chr8:76,983,389-76,983,391 gives the same sequence; the c. name uses the placement nearest the transcript's 3' end. VCF-style (leftmost placement, unchanged base first): chr8-76983388-CAG-C. GRCh37 (hg19) VCF-style: chr8-77895624-CAG-C.
Other names: c.789_790del, p.Phe263fs (NM_001079867.2, NM_001172086.2, NM_001172087.2); short protein forms F263fs.
Identifiers: ClinVar variation 4818162 (VCV004818162.2).
Genomic context (GRCh38, chr8:76,983,388, plus strand): 5'-CCACACTTAGGACAAGTAAAGTACACGTCAAATAAGAAACTACTCTTAGCACAGAAATAA[CAG>C]AAAATATGCTCACATCCTATGGTGTGAGGCATGGTGGGCCACTCTCCACATAGAGCGCAT-3'